The following is an entry in ClinVar:

ClinVar aggregate classification (germline): Uncertain significance. Review status: criteria provided, multiple submitters, no conflicts (2 of 4 stars). 2 submissions from 2 submitters: Uncertain significance (2). Last evaluated 2024-11-10.

Conditions:
Inborn genetic diseases. Identifiers: MedGen C0950123, MeSH D030342.

Allele frequency attached by ClinVar (database versions not stated): gnomAD exomes 0.00005; ExAC 0.00005; gnomAD 0.00011 and 0.00012; TOPMed 0.00008.
gnomAD v4.1: 201 of 1,598,308 alleles (0.013%); highest among the groups gnomAD compares: Non-Finnish European, 0.016%; no homozygotes.

Submissions (2):

Ambry Genetics
Classification: Uncertain significance for Inborn genetic diseases. Last evaluated: 2024-11-10. Review status: criteria provided, single submitter. Criteria: Ambry Variant Classification Scheme 2023. Collection method: clinical testing. Allele origin: germline.

Labcorp Genetics (formerly Invitae), Labcorp
Classification: Uncertain significance. Last evaluated: 2022-04-28. Review status: criteria provided, single submitter. Criteria: Invitae Variant Classification Sherloc (09022015). Collection method: clinical testing. Allele origin: germline.
Comment: This sequence change replaces alanine, which is neutral and non-polar, with serine, which is neutral and polar, at codon 239 of the SLC18A3 protein (p.Ala239Ser). This variant is present in population databases (rs775213086, gnomAD 0.01%). This variant has not been reported in the literature in individuals affected with SLC18A3-related conditions. Algorithms developed to predict the effect of missense changes on protein structure and function (SIFT, PolyPhen-2, Align-GVGD) all suggest that this variant is likely to be disruptive. In summary, the available evidence is currently insufficient to determine the role of this variant in disease. Therefore, it has been classified as a Variant of Uncertain Significance.

NM_003055.3(SLC18A3):c.715G>T (p.Ala239Ser)

Genes: CHAT (choline O-acetyltransferase; plus strand), SLC18A3 (solute carrier family 18 member A3; plus strand). Cytogenetic location: 10q11.23.
Variant type: single nucleotide variant.
Coding change: c.715G>T on transcript NM_003055.3 (MANE Select); coding-DNA position 715, G replaced by T.
Protein change: p.Ala239Ser; replaces alanine 239 with serine.
Molecular consequence: missense variant. On other transcripts: intron variant (1).
Genome position (GRCh38, 1-based): chr10:49,611,455, G>T. VCF-style: chr10-49611455-G-T. GRCh37 (hg19) VCF-style: chr10-50819501-G-T.
Other names: c.-69+2256G>T (NM_020984.4); short protein forms A239S.
Identifiers: ClinVar variation 1408448 (VCV001408448.5), dbSNP rs775213086, ClinGen allele CA5496826.
Genomic context (GRCh38, chr10:49,611,455, plus strand): 5'-GCCTTCATTAGCTTCGGAAGCCTAGTGGCCCCGCCCTTCGGGGGCATCCTCTATGAGTTC[G>T]CCGGCAAGCGCGTGCCCTTCTTGGTGCTAGCTGCCGTGTCGCTCTTTGACGCGCTGTTGC-3'
Protein context (NP_003046.2, residues 229-249): PPFGGILYEF[Ala239Ser]GKRVPFLVLA